The following is an entry in ClinVar:

NC_000017.10:g.(?_57737732)_(57739024_?)del

Gene: CLTC (clathrin heavy chain; plus strand). Cytogenetic location: 17q23.1.
Variant type: Deletion.
Identifiers: ClinVar variation 3243141 (VCV003243141.1).

ClinVar aggregate classification (germline): Uncertain significance (1 of 4 stars; one submission).

Submission:

Labcorp Genetics (formerly Invitae), Labcorp
Classification: Uncertain significance. Last evaluated: 2024-01-14. Review status: criteria provided, single submitter. Criteria: Invitae Variant Classification Sherloc (09022015). Collection method: clinical testing. Allele origin: unknown.
Comment: This variant is a gross deletion of the genomic region encompassing exon(s) 7-8 of the CLTC gene. This variant would be expected to be in-frame, preserving the integrity of the reading frame. This variant has not been reported in the literature in individuals affected with CLTC-related conditions. Experimental studies and prediction algorithms are not available or were not evaluated, and the functional significance of this variant is currently unknown. In summary, the available evidence is currently insufficient to determine the role of this variant in disease. Therefore, it has been classified as a Variant of Uncertain Significance.